The following is an entry in ClinVar:

ClinVar aggregate classification (germline): Uncertain significance. Review status: criteria provided, multiple submitters, no conflicts (2 of 4 stars). 3 submissions from 3 submitters: Uncertain significance (3). Last evaluated 2025-05-03.

Conditions:
Brugada syndrome. Also called: Sudden Unexplained Death Syndrome; Sudden Unexplained Nocturnal Death Syndrome (SUNDS); Sudden unexpected nocturnal death syndrome; Sudden unexplained nocturnal death syndrome. Identifiers: Orphanet 130, MedGen C1142166, MONDO:0015263.
Cardiovascular phenotype. Identifiers: MedGen CN230736.

Allele frequency attached by ClinVar (database versions not stated): gnomAD exomes below 0.00001.
gnomAD v4.1: 7 of 1,614,048 alleles (0.00043%); highest among the groups gnomAD compares: Non-Finnish European, 0.00059%; no homozygotes.

Submissions (3):

Ambry Genetics
Classification: Uncertain significance for Cardiovascular phenotype. Last evaluated: 2025-05-03. Review status: criteria provided, single submitter. Criteria: Ambry Variant Classification Scheme 2023. Collection method: clinical testing. Allele origin: germline.
Comment: The p.L131M variant (also known as c.391C>A), located in coding exon 4 of the GPD1L gene, results from a C to A substitution at nucleotide position 391. The leucine at codon 131 is replaced by methionine, an amino acid with highly similar properties. This variant has been detected in an individual with atrial fibrillation (Husser D et al. PLoS ONE, 2017 Aug;12:e0183690). This amino acid position is highly conserved in available vertebrate species. In addition, this alteration is predicted to be tolerated by in silico analysis. Since supporting evidence is limited at this time, the clinical significance of this alteration remains unclear.

GeneDx
Classification: Uncertain significance. Last evaluated: 2024-05-28. Review status: criteria provided, single submitter. Criteria: GeneDx Variant Classification Process June 2021. Collection method: clinical testing. Allele origin: germline. Affected: yes.
Comment: Not observed in large population cohorts (gnomAD); In silico analysis indicates that this missense variant does not alter protein structure/function; Reported in a patient with lone atrial fibrillation (PMID: 28837624); This variant is associated with the following publications: (PMID: 28837624)

Labcorp Genetics (formerly Invitae), Labcorp
Classification: Uncertain significance for Brugada syndrome. Last evaluated: 2021-08-20. Review status: criteria provided, single submitter. Criteria: Invitae Variant Classification Sherloc (09022015). Collection method: clinical testing. Allele origin: germline.
Comment: This sequence change replaces leucine with methionine at codon 131 of the GPD1L protein (p.Leu131Met). The leucine residue is moderately conserved and there is a small physicochemical difference between leucine and methionine. This variant is not present in population databases (ExAC no frequency). This missense change has been observed in individual(s) with atrial fibrillation (PMID: 28837624). Algorithms developed to predict the effect of missense changes on protein structure and function are either unavailable or do not agree on the potential impact of this missense change (SIFT: "Tolerated"; PolyPhen-2: "Probably Damaging"; Align-GVGD: "Class C0"). In summary, the available evidence is currently insufficient to determine the role of this variant in disease. Therefore, it has been classified as a Variant of Uncertain Significance.

Literature cited by the submitters: PubMed 28837624 (cited by Ambry Genetics and Labcorp Genetics (formerly Invitae), Labcorp).

NM_015141.4(GPD1L):c.391C>A (p.Leu131Met)

Gene: GPD1L (glycerol-3-phosphate dehydrogenase 1 like; plus strand). Cytogenetic location: 3p22.3.
Variant type: single nucleotide variant.
Coding change: c.391C>A on transcript NM_015141.4 (MANE Select); coding-DNA position 391, C replaced by A.
Protein change: p.Leu131Met; replaces leucine 131 with methionine.
Molecular consequence: missense variant.
Genome position (GRCh38, 1-based): chr3:32,140,252, C>A. VCF-style: chr3-32140252-C-A. GRCh37 (hg19) VCF-style: chr3-32181744-C-A.
Other names: short protein forms L131M.
Identifiers: ClinVar variation 1052184 (VCV001052184.8), dbSNP rs1700722701, ClinGen allele CA351974598.